The following is an entry in ClinVar:

NM_000065.5(C6):c.5C>T (p.Ala2Val)

Gene: C6 (complement C6; minus strand). Cytogenetic location: 5p13.1.
Variant type: single nucleotide variant.
Coding change: c.5C>T on transcript NM_000065.5 (MANE Select); coding-DNA position 5, C replaced by T.
Protein change: p.Ala2Val; replaces alanine 2 with valine.
Molecular consequence: missense variant.
Genome position (GRCh38, 1-based): chr5:41,203,226, G>A on the plus strand (C>T on the coding strand, the complement: C6 is on the minus strand). VCF-style: chr5-41203226-G-A. GRCh37 (hg19) VCF-style: chr5-41203328-G-A.
Other names: c.5C>T, p.Ala2Val (NM_001115131.4); short protein forms A2V.
Identifiers: ClinVar variation 1998395 (VCV001998395.4), dbSNP rs2479158353, ClinGen allele CA359605769.

ClinVar aggregate classification (germline): Uncertain significance (1 of 4 stars; one submission).

Submission:

Labcorp Genetics (formerly Invitae), Labcorp
Classification: Uncertain significance. Last evaluated: 2022-05-25. Review status: criteria provided, single submitter. Criteria: Invitae Variant Classification Sherloc (09022015). Collection method: clinical testing. Allele origin: germline.
Comment: This variant has not been reported in the literature in individuals affected with C6-related conditions. Algorithms developed to predict the effect of missense changes on protein structure and function (SIFT, PolyPhen-2, Align-GVGD) all suggest that this variant is likely to be tolerated. In summary, the available evidence is currently insufficient to determine the role of this variant in disease. Therefore, it has been classified as a Variant of Uncertain Significance. This variant is not present in population databases (gnomAD no frequency). This sequence change replaces alanine, which is neutral and non-polar, with valine, which is neutral and non-polar, at codon 2 of the C6 protein (p.Ala2Val).